The following is an entry in ClinVar:

NM_001953.5(TYMP):c.316G>C (p.Glu106Gln)

Gene: TYMP (thymidine phosphorylase; minus strand). Cytogenetic location: 22q13.33.
Variant type: single nucleotide variant.
Coding change: c.316G>C on transcript NM_001953.5 (MANE Select); coding-DNA position 316, G replaced by C.
Protein change: p.Glu106Gln; replaces glutamic acid 106 with glutamine.
Molecular consequence: missense variant.
Genome position (GRCh38, 1-based): chr22:50,529,237, C>G on the plus strand (G>C on the coding strand, the complement: TYMP is on the minus strand). VCF-style: chr22-50529237-C-G. GRCh37 (hg19) VCF-style: chr22-50967666-C-G.
Other names: c.316G>C, p.Glu106Gln (NM_001113755.3, NM_001113756.3, NM_001257988.1 and 1 more transcripts); short protein forms E106Q.
Identifiers: ClinVar variation 1641161 (VCV001641161.9), dbSNP rs201513101, ClinGen allele CA10321794.
Genomic context (GRCh38, chr22:50,529,237, plus strand): 5'-TGACCTTGTCACCCACACCCCCTGTGGAATGCTTGTCCACAAGCTGCTGGCGCCAGGCCT[C>G]TGGCCACTCCAGCTGCTGTCCCGACTGAGCCAGGGCCTGGGTCAGCACCGAGGTCTCCTC-3'
Protein context (NP_001944.1, residues 96-116): AQSGQQLEWP[Glu106Gln]AWRQQLVDKH

ClinVar aggregate classification (germline): Conflicting classifications of pathogenicity. Review status: criteria provided, conflicting classifications (1 of 4 stars). 2 submissions from 2 submitters: Uncertain significance (1); Likely benign (1). Last evaluated 2026-03-19.

Conditions:
Mitochondrial DNA depletion syndrome 1. Also called: POLIP SYNDROME; POLYNEUROPATHY, OPHTHALMOPLEGIA, LEUKOENCEPHALOPATHY, AND INTESTINAL PSEUDOOBSTRUCTION; Mitochondrial DNA Depletion Syndrome, MNGIE Form; Mitochondrial DNA depletion syndrome 1 (MNGIE type); Mitochondrial neurogastrointestinal encephalomyopathy syndrome; Mitochondrial Neurogastrointestinal Encephalopathy Disease. Identifiers: Orphanet 298, MedGen C4551995, MONDO:0011283, OMIM 603041.

Allele frequency attached by ClinVar (database versions not stated): gnomAD 0.00001 and 0.00003; gnomAD exomes 0.00002 and 0.00005; TOPMed 0.00003; ExAC 0.00006; 1000 Genomes Project 0.00020; 1000 Genomes Project 30x 0.00031.
gnomAD v4.1: 37 of 1,613,270 alleles (0.0023%); highest among the groups gnomAD compares: East Asian, 0.074%; no homozygotes.

Submissions (2):

Myriad Genetics, Inc.
Classification: Uncertain significance for Mitochondrial DNA depletion syndrome 1. Last evaluated: 2026-03-19. Review status: criteria provided, single submitter. Criteria: Myriad Autosomal Dominant, Autosomal Recessive and X-Linked Classification Criteria (2023). Collection method: clinical testing. Allele origin: unknown.
Comment: NM_001953.4(TYMP):c.316G>C(E106Q) is a missense variant classified as a variant of uncertain significance in the context of mitochondrial neurogastrointestinal encephalopathy disease. E106Q has been observed in a case with relevant disease (PMID: Nakhro_2011_(Article)). Relevant functional assessments of this variant are not available in the literature. E106Q has been observed in referenced population frequency databases. In summary, there is insufficient evidence to classify NM_001953.4(TYMP):c.316G>C(E106Q) as pathogenic or benign. Please note: this variant was assessed in the context of healthy population screening.

Labcorp Genetics (formerly Invitae), Labcorp
Classification: Likely benign. Last evaluated: 2025-12-02. Review status: criteria provided, single submitter. Criteria: Invitae Variant Classification Sherloc (09022015). Collection method: clinical testing. Allele origin: germline.